The following is an entry in ClinVar:

NM_003611.3(OFD1):c.1385G>A (p.Arg462Lys)

Gene: OFD1 (OFD1 centriole and centriolar satellite protein; plus strand). Cytogenetic location: Xp22.2.
Variant type: single nucleotide variant.
Coding change: c.1385G>A on transcript NM_003611.3 (MANE Select); coding-DNA position 1385, G replaced by A.
Protein change: p.Arg462Lys; replaces arginine 462 with lysine.
Molecular consequence: missense variant.
Genome position (GRCh38, 1-based): chrX:13,756,741, G>A. VCF-style: chrX-13756741-G-A. GRCh37 (hg19) VCF-style: chrX-13774860-G-A.
Other names: c.1265G>A, p.Arg422Lys (NM_001330209.2); c.965G>A, p.Arg322Lys (NM_001330210.2); short protein forms R422K, R322K, R462K.
Identifiers: ClinVar variation 1493693 (VCV001493693.8), dbSNP rs2147026919, ClinGen allele CA412342894.
Genomic context (GRCh38, chrX:13,756,741, plus strand): 5'-AAGAGAAACTGGAGCTTCTGGCACAAAATAAATTACTTAAACAACAACTGGAAGAGAGTA[G>A]AAATGAAAACCTGCGTCTCCTAAACCGTATGTATTTTTCTTTTCTTCTGACTTGCGTGTT-3'
Protein context (NP_003602.1, residues 452-472): KLLKQQLEES[Arg462Lys]NENLRLLNRL

ClinVar aggregate classification (germline): Uncertain significance (1 of 4 stars; one submission).

Conditions:
Joubert syndrome. Also called: CEREBELLOPARENCHYMAL DISORDER IV; JOUBERT-BOLTSHAUSER SYNDROME; Familial aplasia of the vermis. Identifiers: Orphanet 475, MedGen C5979921, MONDO:0018772.
Orofaciodigital syndrome I (OFD1). Also called: OFDS I; Papillon-Leage and Psaume Syndrome; Oral-Facial-Digital Syndrome Type I. Identifiers: Orphanet 2750, MedGen C1510460, MONDO:0010702, OMIM 311200.

Submission:

Labcorp Genetics (formerly Invitae), Labcorp
Classification: Uncertain significance for Orofaciodigital syndrome I; Joubert syndrome. Last evaluated: 2024-02-19. Review status: criteria provided, single submitter. Criteria: Invitae Variant Classification Sherloc (09022015). Collection method: clinical testing. Allele origin: germline.
Comment: This sequence change replaces arginine, which is basic and polar, with lysine, which is basic and polar, at codon 462 of the OFD1 protein (p.Arg462Lys). This variant is not present in population databases (gnomAD no frequency). This variant has not been reported in the literature in individuals affected with OFD1-related conditions. ClinVar contains an entry for this variant (Variation ID: 1493693). Advanced modeling of protein sequence and biophysical properties (such as structural, functional, and spatial information, amino acid conservation, physicochemical variation, residue mobility, and thermodynamic stability) performed at Invitae indicates that this missense variant is not expected to disrupt OFD1 protein function with a negative predictive value of 80%. In summary, the available evidence is currently insufficient to determine the role of this variant in disease. Therefore, it has been classified as a Variant of Uncertain Significance.